The following is an entry in ClinVar:

NM_000384.3(APOB):c.4911T>C (p.Asn1637=)

Gene: APOB (apolipoprotein B; minus strand). Cytogenetic location: 2p24.1.
Variant type: single nucleotide variant.
Coding change: c.4911T>C on transcript NM_000384.3 (MANE Select); coding-DNA position 4911, T replaced by C.
Protein change: p.Asn1637=; no amino-acid change (asparagine 1637 retained).
Molecular consequence: synonymous variant.
Genome position (GRCh38, 1-based): chr2:21,011,957, A>G on the plus strand (T>C on the coding strand, the complement: APOB is on the minus strand). VCF-style: chr2-21011957-A-G. GRCh37 (hg19) VCF-style: chr2-21234829-A-G.
Other names: c.4911T>C (NM_000384.2).
Identifiers: ClinVar variation 1533149 (VCV001533149.9), dbSNP rs776739789, ClinGen allele CA43507635.

ClinVar aggregate classification (germline): Likely benign. Review status: criteria provided, multiple submitters, no conflicts (2 of 4 stars). 2 submissions from 2 submitters: Likely benign (2). Last evaluated 2025-05-21.

Conditions:
Familial hypobetalipoproteinemia 1. Also called: APOB-Related Familial Hypobetalipoproteinemia; Hypobetalipoproteinemia, normotriglyceridemic; Acanthocytosis with hypobetalipoproteinemia. Identifiers: MedGen C4551990, MONDO:0014252, OMIM 615558.
Hypercholesterolemia, autosomal dominant, type B (FHCL2). Also called: Familial Hypercholesterolemia Type B; APOLIPOPROTEIN B-100, FAMILIAL DEFECTIVE; APOLIPOPROTEIN B-100, FAMILIAL LIGAND-DEFECTIVE; HYPERCHOLESTEROLEMIA, FAMILIAL, DUE TO LIGAND-DEFECTIVE APOLIPOPROTEIN B; APOB-Related Familial Hypercholesterolemia, Autosomal Dominant; Familial hypercholesterolemia 2. Identifiers: MedGen C1704417, MONDO:0007751, OMIM 144010.
Familial hypercholesterolemia. Also called: Familial hypercholesterolaemia; Familial hypercholesterolemias. Identifiers: MedGen C0020445, MONDO:0005439.

Allele frequency attached by ClinVar (database versions not stated): gnomAD exomes below 0.00001; TOPMed below 0.00001; gnomAD 0.00001.

Submissions (2):

GENinCode PLC
Classification: Likely benign for Familial hypercholesterolemia. Last evaluated: 2025-05-21. Review status: criteria provided, single submitter. Criteria: ACMG Guidelines, 2015. Collection method: clinical testing. Allele origin: germline.
Comment: This is a synonymous (silent) variant that is not predicted to impact splicing and occurs at a nucleotide which is not highly conserved. This variant has been classified as Likely Benign (BP4, BP7).

Labcorp Genetics (formerly Invitae), Labcorp
Classification: Likely benign for Familial hypobetalipoproteinemia 1; Hypercholesterolemia, autosomal dominant, type B. Last evaluated: 2024-05-10. Review status: criteria provided, single submitter. Criteria: Invitae Variant Classification Sherloc (09022015). Collection method: clinical testing. Allele origin: germline.